The following is an entry in ClinVar:

ClinVar aggregate classification (germline): Likely benign (1 of 4 stars; one submission).

Submission:

CeGaT Center for Human Genetics Tuebingen
Classification: Likely benign. Last evaluated: 2024-12-01. Review status: criteria provided, single submitter. Criteria: CeGaT Center For Human Genetics Tuebingen Variant Classification Criteria Version 2. Collection method: clinical testing. Allele origin: germline. Affected: yes. Observed: 1 variant allele.
Comment: SCN11A: BP4, BP7

NM_001349253.2(SCN11A):c.2883T>G (p.Val961=)

Gene: SCN11A (sodium voltage-gated channel alpha subunit 11; minus strand). Cytogenetic location: 3p22.2.
Variant type: single nucleotide variant.
Coding change: c.2883T>G on transcript NM_001349253.2 (MANE Select); coding-DNA position 2883, T replaced by G.
Protein change: p.Val961=; no amino-acid change (valine 961 retained).
Molecular consequence: synonymous variant.
Genome position (GRCh38, 1-based): chr3:38,886,191, A>C on the plus strand (T>G on the coding strand, the complement: SCN11A is on the minus strand). VCF-style: chr3-38886191-A-C. GRCh37 (hg19) VCF-style: chr3-38927682-A-C.
Other names: c.2883T>G, p.Val961= (NM_014139.3).
Identifiers: ClinVar variation 3771714 (VCV003771714.13).
Genomic context (GRCh38, chr3:38,886,191, plus strand): 5'-GGGATCCTGTATGGTCAGATGAGGCTCATCTTCAGAGAACATGTCAATTTCCACACTTTG[A>C]ACTCTCTGGCTCGTGGGCTTCTTGTTCTCCTGATGGAGCTCATAGGCCTAACACAGAGAG-3'
Protein context (NP_001336182.1, residues 951-971): QENKKPTSQR[Val961=]QSVEIDMFSE